The following is an entry in ClinVar:

ClinVar aggregate classification (germline): Conflicting classifications of pathogenicity. Review status: criteria provided, conflicting classifications (1 of 4 stars). 2 submissions from 2 submitters: Uncertain significance (1); Likely benign (1). Last evaluated 2026-01-27.

Conditions:
FG syndrome (FGS). Identifiers: MedGen C0220769, MONDO:0002010.
Familial thoracic aortic aneurysm and aortic dissection (TAAD). Also called: Thoracic aortic aneurysms and dissections. Identifiers: Orphanet 91387, MedGen C4707243, MONDO:0019625.

gnomAD v4.1: 2 of 1,211,081 alleles (0.00017%); highest among the groups gnomAD compares: African/African-American, 0.0017%; no homozygotes.

Submissions (2):

Labcorp Genetics (formerly Invitae), Labcorp
Classification: Likely benign for FG syndrome. Last evaluated: 2026-01-27. Review status: criteria provided, single submitter. Criteria: Invitae Variant Classification Sherloc (09022015). Collection method: clinical testing. Allele origin: germline.

Ambry Genetics
Classification: Uncertain significance for Familial thoracic aortic aneurysm and aortic dissection. Last evaluated: 2024-12-09. Review status: criteria provided, single submitter. Criteria: Ambry Variant Classification Scheme 2023. Collection method: clinical testing. Allele origin: germline.
Comment: The p.E237K variant (also known as c.709G>A), located in coding exon 5 of the MED12 gene, results from a G to A substitution at nucleotide position 709. The glutamic acid at codon 237 is replaced by lysine, an amino acid with similar properties. This amino acid position is conserved. In addition, the in silico prediction for this alteration is inconclusive. Based on the available evidence, the clinical significance of this variant remains unclear.

NM_005120.3(MED12):c.709G>A (p.Glu237Lys)

Gene: MED12 (mediator complex subunit 12; plus strand). Cytogenetic location: Xq13.1.
Variant type: single nucleotide variant.
Coding change: c.709G>A on transcript NM_005120.3 (MANE Select); coding-DNA position 709, G replaced by A.
Protein change: p.Glu237Lys; replaces glutamic acid 237 with lysine.
Molecular consequence: missense variant.
Genome position (GRCh38, 1-based): chrX:71,121,126, G>A. VCF-style: chrX-71121126-G-A. GRCh37 (hg19) VCF-style: chrX-70340976-G-A.
Other names: short protein forms E237K.
Identifiers: ClinVar variation 3394505 (VCV003394505.2).